The following is an entry in ClinVar:

ClinVar aggregate classification (germline): Pathogenic (1 of 4 stars; one submission).

Submission:

Labcorp Genetics (formerly Invitae), Labcorp
Classification: Pathogenic. Last evaluated: 2022-02-08. Review status: criteria provided, single submitter. Criteria: Invitae Variant Classification Sherloc (09022015). Collection method: clinical testing. Allele origin: germline.
Comment: For these reasons, this variant has been classified as Pathogenic. Algorithms developed to predict the effect of sequence changes on RNA splicing suggest that this variant may disrupt the consensus splice site. Disruption of this splice site has been observed in individual(s) with autism spectrum disorder (PMID: 31980904). In at least one individual the variant was observed to be de novo. This variant is not present in population databases (gnomAD no frequency). This sequence change affects an acceptor splice site in intron 24 of the CHD8 gene. It is expected to disrupt RNA splicing. Variants that disrupt the donor or acceptor splice site typically lead to a loss of protein function (PMID: 16199547), and loss-of-function variants in CHD8 are known to be pathogenic (PMID: 24998929, 26789910).

Literature cited by the submitters: PubMed 31980904; PubMed 16199547; PubMed 24998929; PubMed 26789910.

NM_001170629.2(CHD8):c.4818-1G>C

Gene: CHD8 (chromodomain helicase DNA binding protein 8; minus strand). Cytogenetic location: 14q11.2.
Variant type: single nucleotide variant.
Coding change: c.4818-1G>C on transcript NM_001170629.2 (MANE Select); the canonical splice acceptor site of the intron before coding-DNA position 4818, G replaced by C.
Molecular consequence: splice acceptor variant.
Genome position (GRCh38, 1-based): chr14:21,399,706, C>G on the plus strand (G>C on the coding strand, the complement: CHD8 is on the minus strand). VCF-style: chr14-21399706-C-G. GRCh37 (hg19) VCF-style: chr14-21867865-C-G.
Other names: c.3981-1G>C (NM_020920.4).
Identifiers: ClinVar variation 2094813 (VCV002094813.4), dbSNP rs2139460816, ClinGen allele CA388889438.